The following is an entry in ClinVar:

NM_000124.4(ERCC6):c.3776C>G (p.Ser1259Ter)

Gene: ERCC6 (ERCC excision repair 6, chromatin remodeling factor; minus strand). Cytogenetic location: 10q11.23.
Variant type: single nucleotide variant.
Coding change: c.3776C>G on transcript NM_000124.4 (MANE Select); coding-DNA position 3776, C replaced by G.
Protein change: p.Ser1259Ter; replaces serine 1259 with a stop codon.
Molecular consequence: nonsense.
Genome position (GRCh38, 1-based): chr10:49,470,184, G>C on the plus strand (C>G on the coding strand, the complement: ERCC6 is on the minus strand). VCF-style: chr10-49470184-G-C. GRCh37 (hg19) VCF-style: chr10-50678230-G-C.
Other names: c.3776C>G, p.Ser1259Ter (NM_001346440.2); short protein forms S1259*.
Identifiers: ClinVar variation 2113722 (VCV002113722.4), dbSNP rs2495970278, ClinGen allele CA376712266.

ClinVar aggregate classification (germline): Pathogenic (1 of 4 stars; one submission).

Allele frequency attached by ClinVar (database versions not stated): gnomAD exomes below 0.00001.
gnomAD v4.1: 1 of 1,614,016 alleles (0.000062%); highest among the groups gnomAD compares: South Asian, 0.0011%; no homozygotes.

Submission:

Labcorp Genetics (formerly Invitae), Labcorp
Classification: Pathogenic. Last evaluated: 2023-01-13. Review status: criteria provided, single submitter. Criteria: Invitae Variant Classification Sherloc (09022015). Collection method: clinical testing. Allele origin: germline.
Comment: This sequence change creates a premature translational stop signal (p.Ser1259*) in the ERCC6 gene. It is expected to result in an absent or disrupted protein product. Loss-of-function variants in ERCC6 are known to be pathogenic (PMID: 18628313, 29572252). This variant is not present in population databases (gnomAD no frequency). This premature translational stop signal has been observed in individual(s) with ERCC6-related conditions (PMID: 27186691). For these reasons, this variant has been classified as Pathogenic.

Literature cited by the submitters: PubMed 18628313; PubMed 29572252; PubMed 27186691.